The following is an entry in ClinVar:

NC_000011.10:g.8039000C>A

Gene: TUB (TUB bipartite transcription factor; plus strand). Cytogenetic location: 11p15.4.
Variant type: single nucleotide variant.
Molecular consequence: missense variant (on NM_003320.5). On other transcripts: intron variant (4).
Genome position: GRCh38 VCF-style: chr11-8039000-C-A. GRCh37 (hg19) VCF-style: chr11-8060547-C-A.
Other names: c.127C>A, p.Pro43Thr (NM_003320.5); c.56+19642C>A (NM_001440538.1, NM_001440539.1, NM_001440540.1 and 1 more transcripts); short protein forms P43T.
Identifiers: ClinVar variation 1463186 (VCV001463186.7), dbSNP rs375735347, ClinGen allele CA379566349.

ClinVar aggregate classification (germline): Uncertain significance (1 of 4 stars; one submission).

Submission:

Labcorp Genetics (formerly Invitae), Labcorp
Classification: Uncertain significance. Last evaluated: 2022-07-26. Review status: criteria provided, single submitter. Criteria: Invitae Variant Classification Sherloc (09022015). Collection method: clinical testing. Allele origin: germline.
Comment: In summary, the available evidence is currently insufficient to determine the role of this variant in disease. Therefore, it has been classified as a Variant of Uncertain Significance. Algorithms developed to predict the effect of missense changes on protein structure and function (SIFT, PolyPhen-2, Align-GVGD) all suggest that this variant is likely to be tolerated. ClinVar contains an entry for this variant (Variation ID: 1463186). This variant has not been reported in the literature in individuals affected with TUB-related conditions. This variant is not present in population databases (gnomAD no frequency). This sequence change replaces proline, which is neutral and non-polar, with threonine, which is neutral and polar, at codon 43 of the TUB protein (p.Pro43Thr).